The following is an entry in ClinVar:

NM_032638.5(GATA2):c.764C>T (p.Ala255Val)

Gene: GATA2 (GATA binding protein 2; minus strand). Cytogenetic location: 3q21.3.
Variant type: single nucleotide variant.
Coding change: c.764C>T on transcript NM_032638.5 (MANE Select); coding-DNA position 764, C replaced by T.
Protein change: p.Ala255Val; replaces alanine 255 with valine.
Molecular consequence: missense variant.
Genome position (GRCh38, 1-based): chr3:128,485,834, G>A on the plus strand (C>T on the coding strand, the complement: GATA2 is on the minus strand). VCF-style: chr3-128485834-G-A. GRCh37 (hg19) VCF-style: chr3-128204677-G-A.
Other names: c.764C>T, p.Ala255Val (NM_001145661.2, NM_001145662.1); short protein forms A255V.
Identifiers: ClinVar variation 1006514 (VCV001006514.8), dbSNP rs2068687757, ClinGen allele CA354405996.

ClinVar aggregate classification (germline): Uncertain significance (1 of 4 stars; one submission).

Conditions:
Deafness-lymphedema-leukemia syndrome. Also called: Lymphedema, primary, with myelodysplasia; Emberger syndrome. Identifiers: Orphanet 3226, MedGen C3279664, MONDO:0013540, OMIM 614038.
Monocytopenia with susceptibility to infections. Also called: MONOCYTOPENIA AND MYCOBACTERIAL INFECTION SYNDROME; MONOCYTOPENIA WITH SUSCEPTIBILITY TO MYCOBACTERIAL, FUNGAL, AND PAPILLOMAVIRUS INFECTIONS AND MYELODYSPLASIA; COMBINED IMMUNODEFICIENCY WITH SUSCEPTIBILITY TO MYCOBACTERIAL, VIRAL, AND FUNGAL INFECTIONS; IMMUNODEFICIENCY 21; GATA2 DEFICIENCY; Dendritic cell, monocyte, B lymphocyte, and natural killer lymphocyte deficiency. Identifiers: Orphanet 228423, MedGen C3280030, MONDO:0013607, OMIM 614172.

Allele frequency attached by ClinVar (database versions not stated): gnomAD exomes below 0.00001; TOPMed below 0.00001.
gnomAD v4.1: 2 of 1,614,020 alleles (0.00012%); highest among the groups gnomAD compares: Non-Finnish European, 0.000085%; no homozygotes.

Submission:

Labcorp Genetics (formerly Invitae), Labcorp
Classification: Uncertain significance for Monocytopenia with susceptibility to infections; Deafness-lymphedema-leukemia syndrome. Last evaluated: 2023-05-05. Review status: criteria provided, single submitter. Criteria: Invitae Variant Classification Sherloc (09022015). Collection method: clinical testing. Allele origin: germline.
Comment: This variant has not been reported in the literature in individuals affected with GATA2-related conditions. This variant is not present in population databases (gnomAD no frequency). This sequence change replaces alanine, which is neutral and non-polar, with valine, which is neutral and non-polar, at codon 255 of the GATA2 protein (p.Ala255Val). ClinVar contains an entry for this variant (Variation ID: 1006514). In summary, the available evidence is currently insufficient to determine the role of this variant in disease. Therefore, it has been classified as a Variant of Uncertain Significance. Advanced modeling of protein sequence and biophysical properties (such as structural, functional, and spatial information, amino acid conservation, physicochemical variation, residue mobility, and thermodynamic stability) performed at Invitae indicates that this missense variant is not expected to disrupt GATA2 protein function.